The following is an entry in ClinVar:

NM_019841.7(TRPV5):c.1681G>A (p.Ala561Thr)

Gene: TRPV5 (transient receptor potential cation channel subfamily V member 5; minus strand). Cytogenetic location: 7q34.
Variant type: single nucleotide variant.
Coding change: c.1681G>A on transcript NM_019841.7 (MANE Select); coding-DNA position 1681, G replaced by A.
Protein change: p.Ala561Thr; replaces alanine 561 with threonine.
Molecular consequence: missense variant.
Genome position (GRCh38, 1-based): chr7:142,912,589, C>T on the plus strand (G>A on the coding strand, the complement: TRPV5 is on the minus strand). VCF-style: chr7-142912589-C-T. GRCh37 (hg19) VCF-style: chr7-142609755-C-T.
Other names: short protein forms A561T.
Identifiers: ClinVar variation 3052975 (VCV003052975.2), dbSNP rs139430146, ClinGen allele CA168208366.
Genomic context (GRCh38, chr7:142,912,589, plus strand): 5'-TGTCGCCCATCATGGCGATGAACAAGTTGAGCATGAGCAGTGTGGCAATGATGGTGAAGG[C>T]GAAGTTGACAATGCTGAACATGAAGGGCAAGTCCACGTCGTAGTTGGCAGGTGCATCAAT-3'
Protein context (NP_062815.3, residues 551-571): LPFMFSIVNF[Ala561Thr]FTIIATLLML

ClinVar aggregate classification (germline): Likely benign (0 of 4 stars; one submission).

Conditions:
TRPV5-related disorder. Also called: TRPV5-related condition.

Allele frequency attached by ClinVar (database versions not stated): 1000 Genomes Project 30x 0.00031; 1000 Genomes Project 0.00040; TOPMed 0.00110; gnomAD 0.00139; ESP Exome Variant Server 0.00154; ExAC 0.00270.
gnomAD v4.1: 3,549 of 1,614,178 alleles (0.22%); highest among the groups gnomAD compares: Non-Finnish European, 0.27%; 6 homozygotes.

Submission:

PreventionGenetics, part of Exact Sciences
Classification: Likely benign for TRPV5-related condition. Last evaluated: 2022-08-15. Review status: no assertion criteria provided. Collection method: clinical testing. Allele origin: germline.
Comment: This variant is classified as likely benign based on ACMG/AMP sequence variant interpretation guidelines (Richards et al. 2015 PMID: 25741868, with internal and published modifications).